The following is an entry in ClinVar:

ClinVar aggregate classification (germline): Conflicting classifications of pathogenicity. Review status: criteria provided, conflicting classifications (1 of 4 stars). 2 submissions from 2 submitters: Uncertain significance (1); Likely benign (1). Last evaluated 2025-12-21.

Conditions:
EGFR-related lung cancer (EGFR). Identifiers: MedGen CN130014.
Hereditary cancer-predisposing syndrome. Also called: Hereditary Cancer Syndrome; Tumor predisposition; Hereditary neoplastic syndrome; Neoplastic Syndromes, Hereditary. Identifiers: Orphanet 140162, MedGen C0027672, MeSH D009386, MONDO:0015356.

Allele frequency attached by ClinVar (database versions not stated): TOPMed below 0.00001; gnomAD 0.00001; gnomAD exomes 0.00001; ExAC 0.00002.

Submissions (2):

Labcorp Genetics (formerly Invitae), Labcorp
Classification: Uncertain significance for EGFR-related lung cancer. Last evaluated: 2025-12-21. Review status: criteria provided, single submitter. Criteria: Invitae Variant Classification Sherloc (09022015). Collection method: clinical testing. Allele origin: germline.
Comment: This sequence change replaces asparagine, which is neutral and polar, with lysine, which is basic and polar, at codon 996 of the EGFR protein (p.Asn996Lys). This variant is present in population databases (rs771085105, gnomAD 0.003%). This variant has not been reported in the literature in individuals affected with EGFR-related conditions. ClinVar contains an entry for this variant (Variation ID: 1056580). An algorithm developed to predict the effect of missense changes on protein structure and function outputs the following: PolyPhen-2: "Benign". The lysine amino acid residue is found in multiple mammalian species, which suggests that this missense change does not adversely affect protein function. In summary, the available evidence is currently insufficient to determine the role of this variant in disease. Therefore, it has been classified as a Variant of Uncertain Significance.

Ambry Genetics
Classification: Likely benign for Hereditary cancer-predisposing syndrome. Last evaluated: 2025-01-29. Review status: criteria provided, single submitter. Criteria: Ambry Variant Classification Scheme 2023. Collection method: clinical testing. Allele origin: germline.

NM_005228.5(EGFR):c.2988C>A (p.Asn996Lys)

Gene: EGFR (epidermal growth factor receptor; plus strand). Cytogenetic location: 7p11.2.
Variant type: single nucleotide variant.
Coding change: c.2988C>A on transcript NM_005228.5 (MANE Select); coding-DNA position 2988, C replaced by A.
Protein change: p.Asn996Lys; replaces asparagine 996 with lysine.
Molecular consequence: missense variant.
Genome position (GRCh38, 1-based): chr7:55,201,229, C>A. VCF-style: chr7-55201229-C-A. GRCh37 (hg19) VCF-style: chr7-55268922-C-A.
Other names: c.2988C>A (NM_005228.3); c.2853C>A, p.Asn951Lys (NM_001346897.2, NM_001346899.2); c.2988C>A, p.Asn996Lys (NM_001346898.2); c.2829C>A, p.Asn943Lys (NM_001346900.2); c.2187C>A, p.Asn729Lys (NM_001346941.2); short protein forms N729K, N943K, N951K, N996K.
Identifiers: ClinVar variation 1056580 (VCV001056580.11), dbSNP rs771085105, ClinGen allele CA4266234.
Genomic context (GRCh38, chr7:55,201,229, plus strand): 5'-CTCAAAATCTCTGCACCAGGGGGATGAAAGAATGCATTTGCCAAGTCCTACAGACTCCAA[C>A]TTCTACCGTGCCCTGATGGATGAAGAAGACATGGACGACGTGGTGGATGCCGACGAGTAC-3'
Protein context (NP_005219.2, residues 986-1006): RMHLPSPTDS[Asn996Lys]FYRALMDEED